The following is an entry in ClinVar:

NM_005751.5(AKAP9):c.6508-1G>A

Gene: AKAP9 (A-kinase anchoring protein 9; plus strand). Cytogenetic location: 7q21.2.
Variant type: single nucleotide variant.
Coding change: c.6508-1G>A on transcript NM_005751.5 (MANE Select); the canonical splice acceptor site of the intron before coding-DNA position 6508, G replaced by A.
Molecular consequence: splice acceptor variant.
Genome position (GRCh38, 1-based): chr7:92,070,904, G>A. VCF-style: chr7-92070904-G-A. GRCh37 (hg19) VCF-style: chr7-91700218-G-A.
Other names: c.6484-1G>A (NM_147185.3); c.1153-1G>A (NM_001379277.1); c.6508-1G>A (NM_005751.4).
Identifiers: ClinVar variation 3339287 (VCV003339287.3).

ClinVar aggregate classification (germline): Uncertain significance. Review status: criteria provided, multiple submitters, no conflicts (2 of 4 stars). 3 submissions from 3 submitters: Uncertain significance (2). 1 of the submissions does not count toward it. Last evaluated 2024-07-29.

Conditions:
Cardiovascular phenotype. Identifiers: MedGen CN230736.
AKAP9-related disorder. Also called: AKAP9-related condition.

gnomAD v4.1: 1 of 1,604,642 alleles (0.000062%); highest among the groups gnomAD compares: Non-Finnish European, 0.000085%; no homozygotes.

Submissions (3):

Women's Health and Genetics/Laboratory Corporation of America, LabCorp
Classification: Uncertain significance. Last evaluated: 2024-07-29. Review status: criteria provided, single submitter. Criteria: LabCorp Variant Classification Summary - May 2015. Collection method: clinical testing. Allele origin: germline.
Comment: Variant summary: AKAP9 c.6508-1G>A is located in a canonical splice-site and is predicted to affect mRNA splicing resulting in a significantly altered protein due to either exon skipping, shortening, or inclusion of intronic material. Variants that disrupt the consensus splice site are a relatively common cause of aberrant splicing, however current evidence is not sufficient to establish loss of function as a mechanism for disease. Several computational tools predict a significant impact on normal splicing: Three predict the variant abolishes a 3' acceptor site. One predict the variant no significant impact on splicing. However, these predictions have yet to be confirmed by functional studies. The variant was absent in 250112 control chromosomes. The available data on variant occurrences in the general population are insufficient to allow any conclusion about variant significance. To our knowledge, no occurrence of c.6508-1G>A in individuals affected with Long QT Syndrome and no experimental evidence demonstrating its impact on protein function have been reported. No submitters have cited clinical-significance assessments for this variant to ClinVar. Based on the evidence outlined above, the variant was classified as uncertain significance.

Ambry Genetics
Classification: Uncertain significance for Cardiovascular phenotype. Last evaluated: 2024-07-02. Review status: criteria provided, single submitter. Criteria: Ambry Variant Classification Scheme 2023. Collection method: clinical testing. Allele origin: germline.
Comment: The c.6508-1G>A intronic variant results from a G to A substitution one nucleotide upstream from coding exon 28 of the AKAP9 gene. This nucleotide position is highly conserved in available vertebrate species. In silico splice site analysis predicts that this alteration will weaken the native splice acceptor site. Alterations that disrupt the canonical splice site are expected to cause aberrant splicing, resulting in an abnormal protein or a transcript that is subject to nonsense-mediated mRNA decay. However, loss of function of AKAP9 has not been established as a mechanism of disease. The evidence for this gene-disease relationship is limited; therefore, the clinical significance of this alteration is unclear.

PreventionGenetics, part of Exact Sciences
Classification: Uncertain significance for AKAP9-related condition. Last evaluated: 2024-03-20. Review status: no assertion criteria provided. Collection method: clinical testing. Allele origin: germline. Not counted in ClinVar's aggregate classification.
Comment: The AKAP9 c.6508-1G>A variant is predicted to disrupt the AG splice acceptor site and interfere with normal splicing. To our knowledge, this variant has not been reported in the literature or in a large population database, indicating this variant is rare. Although we suspect that this variant may be pathogenic, at this time, the clinical significance of this variant is uncertain due to the absence of conclusive functional and genetic evidence.